The following is an entry in ClinVar:

ClinVar aggregate classification (germline): Uncertain significance. Review status: criteria provided, multiple submitters, no conflicts (2 of 4 stars). 2 submissions from 2 submitters: Uncertain significance (2). Last evaluated 2025-04-13.

Allele frequency attached by ClinVar (database versions not stated): 1000 Genomes Project 30x 0.00016; 1000 Genomes Project 0.00020; gnomAD 0.00022; ESP Exome Variant Server 0.00023; TOPMed 0.00023; ExAC 0.00024; gnomAD exomes 0.00057.
gnomAD v4.1: 861 of 1,614,174 alleles (0.053%); highest among the groups gnomAD compares: Non-Finnish European, 0.069%; 1 homozygote.

Submissions (2):

Ambry Genetics
Classification: Uncertain significance. Last evaluated: 2025-04-13. Review status: criteria provided, single submitter. Criteria: Ambry Variant Classification Scheme 2023. Collection method: clinical testing. Allele origin: germline.

Labcorp Genetics (formerly Invitae), Labcorp
Classification: Uncertain significance. Last evaluated: 2025-02-04. Review status: criteria provided, single submitter. Criteria: Invitae Variant Classification Sherloc (09022015). Collection method: clinical testing. Allele origin: germline.
Comment: This sequence change replaces glutamic acid, which is acidic and polar, with glycine, which is neutral and non-polar, at codon 649 of the MYH7B protein (p.Glu649Gly). This variant is present in population databases (rs201527676, gnomAD 0.05%), and has an allele count higher than expected for a pathogenic variant. This variant has not been reported in the literature in individuals affected with MYH7B-related conditions. ClinVar contains an entry for this variant (Variation ID: 2061814). Invitae Evidence Modeling of protein sequence and biophysical properties (such as structural, functional, and spatial information, amino acid conservation, physicochemical variation, residue mobility, and thermodynamic stability) indicates that this missense variant is not expected to disrupt MYH7B protein function with a negative predictive value of 80%. In summary, the available evidence is currently insufficient to determine the role of this variant in disease. Therefore, it has been classified as a Variant of Uncertain Significance.

NM_020884.7(MYH7B):c.1820A>G (p.Glu607Gly)

Gene: MYH7B (myosin heavy chain 7B; plus strand). Cytogenetic location: 20q11.22.
Variant type: single nucleotide variant.
Coding change: c.1820A>G on transcript NM_020884.7 (MANE Select); coding-DNA position 1820, A replaced by G.
Protein change: p.Glu607Gly; replaces glutamic acid 607 with glycine.
Molecular consequence: missense variant.
Genome position (GRCh38, 1-based): chr20:34,990,066, A>G. VCF-style: chr20-34990066-A-G. GRCh37 (hg19) VCF-style: chr20-33577869-A-G.
Other names: c.1946A>G (NM_020884.3); short protein forms E607G.
Identifiers: ClinVar variation 2061814 (VCV002061814.7), dbSNP rs201527676, ClinGen allele CA9827071.
Genomic context (GRCh38, chr20:34,990,066, plus strand): 5'-CTCTCCAGGTGCCTTACAGCATTGTGGGCTGGCTGGAGAAAAACAAGGATCCCCTGAATG[A>G]GACCGTGGTCCCCATCTTCCAGAAGTCACAGAATAGGCTCCTGGCGACTCTCTATGAGAA-3'
Protein context (NP_065935.4, residues 597-617): WLEKNKDPLN[Glu607Gly]TVVPIFQKSQ